The following is an entry in ClinVar:

NM_000512.5(GALNS):c.978G>A (p.Trp326Ter)

Gene: GALNS (galactosamine (N-acetyl)-6-sulfatase; minus strand). Cytogenetic location: 16q24.3.
Variant type: single nucleotide variant.
Coding change: c.978G>A on transcript NM_000512.5 (MANE Select); coding-DNA position 978, G replaced by A.
Protein change: p.Trp326Ter; replaces tryptophan 326 with a stop codon.
Molecular consequence: nonsense.
Genome position (GRCh38, 1-based): chr16:88,832,022, C>T on the plus strand (G>A on the coding strand, the complement: GALNS is on the minus strand). VCF-style: chr16-88832022-C-T. GRCh37 (hg19) VCF-style: chr16-88898430-C-T.
Other names: c.423G>A, p.Trp141Ter (NM_001323543.2); c.996G>A, p.Trp332Ter (NM_001323544.2); short protein forms W141*, W326*, W332*.
Identifiers: ClinVar variation 1048320 (VCV001048320.3), dbSNP rs1911558912, ClinGen allele CA397101073.
Genomic context (GRCh38, chr16:88,832,022, plus strand): 5'-ACCTGCTGCCCGGCAGACCGGTGGACGCTGACTCACCTGGCCTGCAGTGACGTGCCCTGG[C>T]CACCATGCGAGGGCAGGCTCCCTCATCCCTCCTTCAAACGTGGTCTGCTTCCCACACAGA-3'

ClinVar aggregate classification (germline): Likely pathogenic (1 of 4 stars; one submission).

Conditions:
Mucopolysaccharidosis, MPS-IV-A (MPS4A). Also called: Mucopolysaccharidosis type IV A; Mucopolysaccharidosis Type IVA; Morquio syndrome A, mild; MORQUIO SYNDROME A; MPS IVA; mucopolysaccharidosis type 4A. Identifiers: Orphanet 309297, Orphanet 582, MedGen C0086651, MONDO:0009659, OMIM 253000.

Submission:

Laboratory of Diagnosis and Therapy of Lysosomal Disorders, University of Padova
Classification: Likely pathogenic for Mucopolysaccharidosis, MPS-IV-A. Last evaluated: 2021-02-01. Review status: criteria provided, single submitter. Criteria: ACMG Guidelines, 2015. Collection method: research. Allele origin: germline. Affected: yes.
Comment: Nonsense variant (PVS1_very strong); absent from gnomAD v2.1.1 (PM2_moderate)

Literature cited by the submitters: PubMed 25545067; PubMed 34387910.